The following is an entry in ClinVar:

NM_198994.3(TGM6):c.1234C>T (p.Arg412Cys)

Gene: TGM6 (transglutaminase 6; plus strand). Cytogenetic location: 20p13.
Variant type: single nucleotide variant.
Coding change: c.1234C>T on transcript NM_198994.3 (MANE Select); coding-DNA position 1234, C replaced by T.
Protein change: p.Arg412Cys; replaces arginine 412 with cysteine.
Molecular consequence: missense variant.
Genome position (GRCh38, 1-based): chr20:2,403,721, C>T. VCF-style: chr20-2403721-C-T. GRCh37 (hg19) VCF-style: chr20-2384367-C-T.
Other names: c.1234C>T (NM_198994.2); c.1234C>T, p.Arg412Cys (NM_001254734.2); short protein forms R412C.
Identifiers: ClinVar variation 1052425 (VCV001052425.10), dbSNP rs200536588, ClinGen allele CA9732022.

ClinVar aggregate classification (germline): Uncertain significance. Review status: criteria provided, multiple submitters, no conflicts (2 of 4 stars). 2 submissions from 2 submitters: Uncertain significance (2). Last evaluated 2024-11-05.

Allele frequency attached by ClinVar (database versions not stated): gnomAD exomes 0.00002 and 0.00003; ExAC 0.00004; ESP Exome Variant Server 0.00023.
gnomAD v4.1: 57 of 1,614,074 alleles (0.0035%); highest among the groups gnomAD compares: Middle Eastern, 0.082%; no homozygotes.

Submissions (2):

Labcorp Genetics (formerly Invitae), Labcorp
Classification: Uncertain significance. Last evaluated: 2024-11-05. Review status: criteria provided, single submitter. Criteria: Invitae Variant Classification Sherloc (09022015). Collection method: clinical testing. Allele origin: germline.
Comment: This sequence change replaces arginine, which is basic and polar, with cysteine, which is neutral and slightly polar, at codon 412 of the TGM6 protein (p.Arg412Cys). This variant is present in population databases (rs200536588, gnomAD 0.006%). This variant has not been reported in the literature in individuals affected with TGM6-related conditions. ClinVar contains an entry for this variant (Variation ID: 1052425). Invitae Evidence Modeling of protein sequence and biophysical properties (such as structural, functional, and spatial information, amino acid conservation, physicochemical variation, residue mobility, and thermodynamic stability) has been performed for this missense variant. However, the output from this modeling did not meet the statistical confidence thresholds required to predict the impact of this variant on TGM6 protein function. In summary, the available evidence is currently insufficient to determine the role of this variant in disease. Therefore, it has been classified as a Variant of Uncertain Significance.

Athena Diagnostics
Classification: Uncertain significance. Last evaluated: 2024-04-11. Review status: criteria provided, single submitter. Criteria: Athena Diagnostics Criteria. Collection method: clinical testing. Allele origin: unknown.

Literature cited by the submitters: PubMed 32980267 (cited by Athena Diagnostics).